The following is an entry in ClinVar:

NM_005876.5(SPEG):c.3862G>A (p.Ala1288Thr)

Gene: SPEG (striated muscle enriched protein kinase; plus strand). Cytogenetic location: 2q35.
Variant type: single nucleotide variant.
Coding change: c.3862G>A on transcript NM_005876.5 (MANE Select); coding-DNA position 3862, G replaced by A.
Protein change: p.Ala1288Thr; replaces alanine 1288 with threonine.
Molecular consequence: missense variant.
Genome position (GRCh38, 1-based): chr2:219,472,253, G>A. VCF-style: chr2-219472253-G-A. GRCh37 (hg19) VCF-style: chr2-220336975-G-A.
Other names: short protein forms A1288T.
Identifiers: ClinVar variation 1021848 (VCV001021848.6), dbSNP rs368670007, ClinGen allele CA2126319.

ClinVar aggregate classification (germline): Uncertain significance (1 of 4 stars; one submission).

Allele frequency attached by ClinVar (database versions not stated): gnomAD below 0.00001 and 0.00002; TOPMed below 0.00001; ExAC 0.00003; gnomAD exomes 0.00004; ESP Exome Variant Server 0.00008; 1000 Genomes Project 30x 0.00016; 1000 Genomes Project 0.00020.
gnomAD v4.1: 32 of 1,613,860 alleles (0.002%); highest among the groups gnomAD compares: South Asian, 0.011%; no homozygotes.

Submission:

Labcorp Genetics (formerly Invitae), Labcorp
Classification: Uncertain significance. Last evaluated: 2021-08-26. Review status: criteria provided, single submitter. Criteria: Invitae Variant Classification Sherloc (09022015). Collection method: clinical testing. Allele origin: germline.
Comment: This sequence change replaces alanine with threonine at codon 1288 of the SPEG protein (p.Ala1288Thr). The alanine residue is moderately conserved and there is a small physicochemical difference between alanine and threonine. This variant is present in population databases (rs368670007, ExAC 0.006%). This variant has not been reported in the literature in individuals affected with SPEG-related conditions. Algorithms developed to predict the effect of missense changes on protein structure and function are either unavailable or do not agree on the potential impact of this missense change (SIFT: "Deleterious"; PolyPhen-2: "Benign"; Align-GVGD: "Class C0"). In summary, the available evidence is currently insufficient to determine the role of this variant in disease. Therefore, it has been classified as a Variant of Uncertain Significance.